The following is an entry in ClinVar:

NM_001171.6(ABCC6):c.3404C>T (p.Thr1135Ile)

Gene: ABCC6 (ATP binding cassette subfamily C member 6; minus strand). Cytogenetic location: 16p13.11.
Variant type: single nucleotide variant.
Coding change: c.3404C>T on transcript NM_001171.6 (MANE Select); coding-DNA position 3404, C replaced by T.
Protein change: p.Thr1135Ile; replaces threonine 1135 with isoleucine.
Molecular consequence: missense variant.
Genome position (GRCh38, 1-based): chr16:16,163,095, G>A on the plus strand (C>T on the coding strand, the complement: ABCC6 is on the minus strand). VCF-style: chr16-16163095-G-A. GRCh37 (hg19) VCF-style: chr16-16256952-G-A.
Other names: c.3062C>T, p.Thr1021Ile (NM_001351800.1); short protein forms T1021I, T1135I.
Identifiers: ClinVar variation 2116920 (VCV002116920.4), dbSNP rs1245768823, ClinGen allele CA394881460.

ClinVar aggregate classification (germline): Uncertain significance (1 of 4 stars; one submission).

Submission:

Labcorp Genetics (formerly Invitae), Labcorp
Classification: Uncertain significance. Last evaluated: 2022-03-25. Review status: criteria provided, single submitter. Criteria: Invitae Variant Classification Sherloc (09022015). Collection method: clinical testing. Allele origin: germline.
Comment: This variant is not present in population databases (gnomAD no frequency). This variant has not been reported in the literature in individuals affected with ABCC6-related conditions. Advanced modeling of protein sequence and biophysical properties (such as structural, functional, and spatial information, amino acid conservation, physicochemical variation, residue mobility, and thermodynamic stability) performed at Invitae indicates that this missense variant is not expected to disrupt ABCC6 protein function. This sequence change replaces threonine, which is neutral and polar, with isoleucine, which is neutral and non-polar, at codon 1135 of the ABCC6 protein (p.Thr1135Ile). In summary, the available evidence is currently insufficient to determine the role of this variant in disease. Therefore, it has been classified as a Variant of Uncertain Significance.